The following is an entry in ClinVar:

ClinVar aggregate classification (germline): Conflicting classifications of pathogenicity. Review status: criteria provided, conflicting classifications (1 of 4 stars). 2 submissions from 2 submitters: Uncertain significance (1); Likely benign (1). Last evaluated 2026-01-19.

Conditions:
Dilated cardiomyopathy 1AA (CMD1AA). Also called: CARDIOMYOPATHY, DILATED, 1AA, WITH OR WITHOUT LEFT VENTRICULAR NONCOMPACTION; CARDIOMYOPATHY, FAMILIAL HYPERTROPHIC, 23, WITH OR WITHOUT LEFT VENTRICULAR NONCOMPACTION; Cardiomyopathy, dilated, 1AA, with or without LVNC. Identifiers: Orphanet 154, MedGen C2677338, MONDO:0012808, OMIM 612158.
Primary familial hypertrophic cardiomyopathy (HCM). Identifiers: Orphanet 99739, MedGen C0949658, MeSH D024741, MONDO:0024573. Inheritance: Various modes of inheritance.
Cardiovascular phenotype. Identifiers: MedGen CN230736.

Allele frequency attached by ClinVar (database versions not stated): gnomAD exomes below 0.00001; gnomAD 0.00001; TOPMed 0.00001.
gnomAD v4.1: 3 of 1,614,078 alleles (0.00019%); highest among the groups gnomAD compares: African/African-American, 0.004%; no homozygotes.

Submissions (2):

Labcorp Genetics (formerly Invitae), Labcorp
Classification: Likely benign for Primary familial hypertrophic cardiomyopathy; Dilated cardiomyopathy 1AA. Last evaluated: 2026-01-19. Review status: criteria provided, single submitter. Criteria: Invitae Variant Classification Sherloc (09022015). Collection method: clinical testing. Allele origin: germline.

Ambry Genetics
Classification: Uncertain significance for Cardiovascular phenotype. Last evaluated: 2025-11-04. Review status: criteria provided, single submitter. Criteria: Ambry Variant Classification Scheme 2023. Collection method: clinical testing. Allele origin: germline.
Comment: The p.A244V variant (also known as c.731C>T), located in coding exon 8 of the ACTN2 gene, results from a C to T substitution at nucleotide position 731. The alanine at codon 244 is replaced by valine, an amino acid with similar properties. This amino acid position is highly conserved in available vertebrate species. In addition, this alteration is predicted to be deleterious by in silico analysis. Since supporting evidence is limited at this time, the clinical significance of this alteration remains unclear.

NM_001103.4(ACTN2):c.731C>T (p.Ala244Val)

Gene: ACTN2 (actinin alpha 2; plus strand). Cytogenetic location: 1q43.
Variant type: single nucleotide variant.
Coding change: c.731C>T on transcript NM_001103.4 (MANE Select); coding-DNA position 731, C replaced by T.
Protein change: p.Ala244Val; replaces alanine 244 with valine.
Molecular consequence: missense variant. On other transcripts: 5 prime UTR variant (1), intron variant (1).
Genome position (GRCh38, 1-based): chr1:236,735,668, C>T. VCF-style: chr1-236735668-C-T. GRCh37 (hg19) VCF-style: chr1-236898968-C-T.
Other names: c.-5C>T (NM_001278344.2); c.783+1150C>T (NM_001278343.2); short protein forms A244V.
Identifiers: ClinVar variation 934241 (VCV000934241.14), dbSNP rs938796645, ClinGen allele CA39722533.
Genomic context (GRCh38, chr1:236,735,668, plus strand): 5'-GTCCTGTGTTATTTTCTCCCCCTTCAGACATCGTGAACACCCCTAAACCCGATGAAAGAG[C>T]CATCATGACGTACGTCTCTTGCTTCTACCACGCTTTTGCGGGCGCGGAGCAGGTACTCAA-3'
Protein context (NP_001094.1, residues 234-254): IVNTPKPDER[Ala244Val]IMTYVSCFYH